The following is an entry in ClinVar:

ClinVar aggregate classification (germline): Pathogenic/Likely pathogenic. Review status: criteria provided, multiple submitters, no conflicts (2 of 4 stars). 3 submissions from 3 submitters: Pathogenic (2); Likely pathogenic (1). Last evaluated 2024-07-05.

Conditions:
TRIOBP-related disorder. Also called: TRIOBP-related condition.

Allele frequency attached by ClinVar (database versions not stated): gnomAD exomes below 0.00001 and 0.00001.
gnomAD v4.1: 14 of 1,613,656 alleles (0.00087%); highest among the groups gnomAD compares: East Asian, 0.0022%; no homozygotes.

Submissions (3):

Blueprint Genetics
Classification: Likely pathogenic for TRIOBP-related disorders. Last evaluated: 2024-07-05. Review status: criteria provided, single submitter. Criteria: ACMG Guidelines, 2015. Collection method: clinical testing. Allele origin: germline. Affected: yes. Observed: 2 variant alleles.

Labcorp Genetics (formerly Invitae), Labcorp
Classification: Pathogenic. Last evaluated: 2023-05-16. Review status: criteria provided, single submitter. Criteria: Invitae Variant Classification Sherloc (09022015). Collection method: clinical testing. Allele origin: germline.
Comment: For these reasons, this variant has been classified as Pathogenic. ClinVar contains an entry for this variant (Variation ID: 620199). This sequence change creates a premature translational stop signal (p.Arg990*) in the TRIOBP gene. It is expected to result in an absent or disrupted protein product. Loss-of-function variants in TRIOBP are known to be pathogenic (PMID: 16385457, 16385458, 20510926). This variant is not present in population databases (gnomAD no frequency). This premature translational stop signal has been observed in individual(s) with deafness (PMID: 27573290).

GeneDx
Classification: Pathogenic. Last evaluated: 2018-07-25. Review status: criteria provided, single submitter. Criteria: GeneDx Variant Classification (06012015). Collection method: clinical testing. Allele origin: germline. Affected: yes.
Comment: The R990X nonsense variant has been reported previously in association with hearing loss (Naz et al., 2017). This variant is predicted to cause loss of normal protein function either through protein truncation or nonsense-mediated mRNA decay. The variant is not observed in large population cohorts (Lek et al., 2016). We consider this variant to be pathogenic.

Literature cited by the submitters: PubMed 16385457 (cited by Labcorp Genetics (formerly Invitae), Labcorp); PubMed 16385458 (cited by Labcorp Genetics (formerly Invitae), Labcorp); PubMed 20510926 (cited by Labcorp Genetics (formerly Invitae), Labcorp); PubMed 27573290 (cited by Labcorp Genetics (formerly Invitae), Labcorp).

NM_001039141.3(TRIOBP):c.2968C>T (p.Arg990Ter)

Gene: TRIOBP (TRIO and F-actin binding protein; plus strand). Cytogenetic location: 22q13.1.
Variant type: single nucleotide variant.
Coding change: c.2968C>T on transcript NM_001039141.3 (MANE Select); coding-DNA position 2968, C replaced by T.
Protein change: p.Arg990Ter; replaces arginine 990 with a stop codon.
Molecular consequence: nonsense.
Genome position (GRCh38, 1-based): chr22:37,725,524, C>T. VCF-style: chr22-37725524-C-T. GRCh37 (hg19) VCF-style: chr22-38121531-C-T.
Other names: short protein forms R990*.
Identifiers: ClinVar variation 620199 (VCV000620199.6), dbSNP rs1228392408, ClinGen allele CA411475020.